The following is an entry in ClinVar:

NM_001868.4(CPA1):c.1138G>C (p.Glu380Gln)

Gene: CPA1 (carboxypeptidase A1; plus strand). Cytogenetic location: 7q32.2.
Variant type: single nucleotide variant.
Coding change: c.1138G>C on transcript NM_001868.4 (MANE Select); coding-DNA position 1138, G replaced by C.
Protein change: p.Glu380Gln; replaces glutamic acid 380 with glutamine.
Molecular consequence: missense variant.
Genome position (GRCh38, 1-based): chr7:130,387,889, G>C. VCF-style: chr7-130387889-G-C. GRCh37 (hg19) VCF-style: chr7-130027730-G-C.
Other names: short protein forms E380Q.
Identifiers: ClinVar variation 1730435 (VCV001730435.2), dbSNP rs148329227, ClinGen allele CA369284320.

ClinVar aggregate classification (germline): Uncertain significance (1 of 4 stars; one submission).

Conditions:
Hereditary pancreatitis (PCTT). Also called: Hereditary chronic pancreatitis; PRSS1-Related Hereditary Pancreatitis. Identifiers: Orphanet 676, MedGen C0238339, MONDO:0008185, OMIM 167800.

Submission:

Ambry Genetics
Classification: Uncertain significance for Hereditary pancreatitis. Last evaluated: 2022-05-09. Review status: criteria provided, single submitter. Criteria: Ambry Variant Classification Scheme 2023. Collection method: clinical testing. Allele origin: germline.
Comment: The p.E380Q variant (also known as c.1138G>C), located in coding exon 10 of the CPA1 gene, results from a G to C substitution at nucleotide position 1138. The glutamic acid at codon 380 is replaced by glutamine, an amino acid with highly similar properties. This amino acid position is conserved. In addition, this alteration is predicted to be deleterious by in silico analysis. Since supporting evidence is limited at this time, the clinical significance of this alteration remains unclear.